The following is an entry in ClinVar:

NM_032242.4(PLXNA1):c.5608C>G (p.Leu1870Val)

Gene: PLXNA1 (plexin A1; plus strand). Cytogenetic location: 3q21.3.
Variant type: single nucleotide variant.
Coding change: c.5608C>G on transcript NM_032242.4 (MANE Select); coding-DNA position 5608, C replaced by G.
Protein change: p.Leu1870Val; replaces leucine 1870 with valine.
Molecular consequence: missense variant.
Genome position (GRCh38, 1-based): chr3:127,033,934, C>G. VCF-style: chr3-127033934-C-G. GRCh37 (hg19) VCF-style: chr3-126752777-C-G.
Other names: short protein forms L1870V.
Identifiers: ClinVar variation 4987361 (VCV004987361.1).
Genomic context (GRCh38, chr3:127,033,934, plus strand): 5'-CATGGAGGCTGGTGGCCCGGCATGCTGACAGTTCTCCTGGCCCTGCAGATCCTGGCAGCC[C>G]TGGAGAAGGATGAGCAGGCGCGGCGGCAGCGGCTGCGGAGCAAGCTGGAGCAGGTGGTGG-3'
Protein context (NP_115618.3, residues 1860-1880): TKYKDEILAA[Leu1870Val]EKDEQARRQR

ClinVar aggregate classification (germline): Uncertain significance (1 of 4 stars; one submission).

Conditions:
PLXNA1-related disorder. Also called: PLXNA1-related condition.

gnomAD v4.1: 1 of 1,602,390 alleles (0.000062%); highest among the groups gnomAD compares: Non-Finnish European, 0.000085%; no homozygotes.

Submission:

PreventionGenetics, part of Exact Sciences
Classification: Uncertain significance for PLXNA1-related condition. Last evaluated: 2025-01-29. Review status: criteria provided, single submitter. Criteria: ACMG Guidelines, 2015. Collection method: clinical testing. Allele origin: germline.
Comment: The PLXNA1 c.5608C>G variant is predicted to result in the amino acid substitution p.Leu1870Val. To our knowledge, this variant has not been reported in the literature or in a large population database (gnomAD), indicating this variant is rare. At this time, the clinical significance of this variant is uncertain due to the absence of conclusive functional and genetic evidence.